The following is an entry in ClinVar:

NM_031935.3(HMCN1):c.5147G>C (p.Ser1716Thr)

Gene: HMCN1 (hemicentin 1; plus strand). Cytogenetic location: 1q31.1.
Variant type: single nucleotide variant.
Coding change: c.5147G>C on transcript NM_031935.3 (MANE Select); coding-DNA position 5147, G replaced by C.
Protein change: p.Ser1716Thr; replaces serine 1716 with threonine.
Molecular consequence: missense variant.
Genome position (GRCh38, 1-based): chr1:186,016,195, G>C. VCF-style: chr1-186016195-G-C. GRCh37 (hg19) VCF-style: chr1-185985327-G-C.
Other names: short protein forms S1716T.
Identifiers: ClinVar variation 4804467 (VCV004804467.1).

ClinVar aggregate classification (germline): Uncertain significance (1 of 4 stars; one submission).

gnomAD v4.1: 83 of 1,613,208 alleles (0.0051%); highest among the groups gnomAD compares: Non-Finnish European, 0.007%; no homozygotes.

Submission:

Labcorp Genetics (formerly Invitae), Labcorp
Classification: Uncertain significance. Last evaluated: 2025-12-01. Review status: criteria provided, single submitter. Criteria: Invitae Variant Classification Sherloc (09022015). Collection method: clinical testing. Allele origin: germline.
Comment: This sequence change replaces serine, which is neutral and polar, with threonine, which is neutral and polar, at codon 1716 of the HMCN1 protein (p.Ser1716Thr). This variant is present in population databases (rs146790750, gnomAD 0.002%). This variant has not been reported in the literature in individuals affected with HMCN1-related conditions. An algorithm developed to predict the effect of missense changes on protein structure and function (PolyPhen-2) suggests that this variant is likely to be disruptive. In summary, the available evidence is currently insufficient to determine the role of this variant in disease. Therefore, it has been classified as a Variant of Uncertain Significance.